The following is an entry in ClinVar:

NM_000038.6(APC):c.5674G>T (p.Ala1892Ser)

Gene: APC (APC regulator of Wnt signaling pathway; plus strand). Cytogenetic location: 5q22.2.
Variant type: single nucleotide variant.
Coding change: c.5674G>T on transcript NM_000038.6 (MANE Select); coding-DNA position 5674, G replaced by T.
Protein change: p.Ala1892Ser; replaces alanine 1892 with serine.
Molecular consequence: missense variant. On other transcripts: non-coding transcript variant (2).
Genome position (GRCh38, 1-based): chr5:112,841,268, G>T. VCF-style: chr5-112841268-G-T. GRCh37 (hg19) VCF-style: chr5-112176965-G-T.
Other names: c.5194G>T, p.Ala1732Ser (NM_001354905.2); c.4825G>T, p.Ala1609Ser (NM_001354906.2, NM_001407470.1); c.5296G>T, p.Ala1766Ser (NM_001354904.2); c.5758G>T, p.Ala1920Ser (NM_001407446.1); c.5728G>T, p.Ala1910Ser (NM_001407447.1, NM_001407448.1, NM_001407449.1 and 1 more transcripts); c.5674G>T, p.Ala1892Ser (NM_001407450.1, NM_001127510.3, NM_001354895.2); c.5653G>T, p.Ala1885Ser (NM_001407451.1); c.5620G>T, p.Ala1874Ser (NM_001127511.3); and 11 more; short protein forms A1801S, A1809S, A1874S, A1885S, A1910S, A1609S, A1732S, A1867S.
Identifiers: ClinVar variation 3881548 (VCV003881548.1).

ClinVar aggregate classification (germline): Uncertain significance (1 of 4 stars; one submission).

Conditions:
Hereditary cancer-predisposing syndrome. Also called: Tumor predisposition; Neoplastic Syndromes, Hereditary; Hereditary Cancer Syndrome; Hereditary neoplastic syndrome. Identifiers: Orphanet 140162, MedGen C0027672, MeSH D009386, MONDO:0015356.

Submission:

Ambry Genetics
Classification: Uncertain significance for Hereditary cancer-predisposing syndrome. Last evaluated: 2025-01-06. Review status: criteria provided, single submitter. Criteria: Ambry Variant Classification Scheme 2023. Collection method: clinical testing. Allele origin: germline.
Comment: The p.A1892S variant (also known as c.5674G>T), located in coding exon 15 of the APC gene, results from a G to T substitution at nucleotide position 5674. The alanine at codon 1892 is replaced by serine, an amino acid with similar properties. This amino acid position is conserved. In addition, in silico predictors for this gene do not accurately predict pathogenicity. Based on the available evidence, the clinical significance of this variant remains unclear.